The following is an entry in ClinVar:

NC_000017.10:g.(?_4801070)_(4804202_?)del

Genes: C17orf107 (chromosome 17 open reading frame 107; plus strand), CHRNE (cholinergic receptor nicotinic epsilon subunit; minus strand), MINK1 (misshapen like kinase 1; plus strand). Cytogenetic location: 17p13.2.
Variant type: Deletion.
Identifiers: ClinVar variation 3243048 (VCV003243048.1).

ClinVar aggregate classification (germline): Likely pathogenic (1 of 4 stars; one submission).

Conditions:
Congenital myasthenic syndrome 4A. Also called: Myasthenic syndrome, congenital, 4a, slow-channel; CONGENITAL MYASTHENIC SYNDROME TYPE Ia1; MYASTHENIC SYNDROME, CONGENITAL, 4A, SLOW-CHANNEL, AUTOSOMAL RECESSIVE. Identifiers: Orphanet 590, MedGen C4225413, MONDO:0011600, OMIM 605809.

Submission:

Labcorp Genetics (formerly Invitae), Labcorp
Classification: Likely pathogenic for Congenital myasthenic syndrome 4A. Last evaluated: 2018-08-15. Review status: criteria provided, single submitter. Criteria: Invitae Variant Classification Sherloc (09022015). Collection method: clinical testing. Allele origin: unknown.
Comment: Variants that disrupt the amino acid residues¬†p.Thr284,¬†p.Leu289, and¬†p.Pro302 in exon 8 of CHRNE have been observed in affected individuals (PMID: 7531341, 7538206, 8872460, 27779167, 22382357). This suggests that they are clinically significant¬†residues, and that other variants that disrupt these residues are likely to be causative of disease. In summary, the currently available evidence indicates that the variant is pathogenic, but additional data are needed to prove that conclusively. Therefore, this variant has been classified as Likely Pathogenic. This variant has not been reported in the literature in individuals with CHRNE-related disease. This variant is a gross deletion of the genomic region encompassing exons 8-12 (c.803_*961del)¬†of the CHRNE gene.

Literature cited by the submitters: PubMed 7531341; PubMed 7538206; PubMed 8872460; PubMed 27779167; PubMed 22382357.